The following is an entry in ClinVar:

NM_000092.5(COL4A4):c.2716+5G>C

Gene: COL4A4 (collagen type IV alpha 4 chain; minus strand). Cytogenetic location: 2q36.3.
Variant type: single nucleotide variant.
Coding change: c.2716+5G>C on transcript NM_000092.5 (MANE Select); 5 bases into the intron after coding-DNA position 2716, G replaced by C.
Molecular consequence: intron variant.
Genome position (GRCh38, 1-based): chr2:227,055,940, C>G on the plus strand (G>C on the coding strand, the complement: COL4A4 is on the minus strand). VCF-style: chr2-227055940-C-G. GRCh37 (hg19) VCF-style: chr2-227920656-C-G.
Identifiers: ClinVar variation 3377038 (VCV003377038.1).

ClinVar aggregate classification (germline): Uncertain significance (1 of 4 stars; one submission).

Conditions:
Alport syndrome. Also called: Hemorrhagic familial nephritis; Hemorrhagic hereditary nephritis; Congenital hereditary hematuria. Identifiers: Orphanet 63, MedGen C1567741, MONDO:0018965.

Submission:

Victorian Clinical Genetics Services, Murdoch Childrens Research Institute
Classification: Uncertain significance for Alport syndrome. Last evaluated: 2024-10-10. Review status: criteria provided, single submitter. Criteria: ACMG Guidelines, 2015. Collection method: clinical testing. Allele origin: germline. Affected: yes.
Comment: Based on the classification scheme VCGS_Germline_v1.3.5, this variant is classified as VUS-3B. Following criteria are met: 0103 - Loss-of-function is a known mechanism of disease for this gene and is associated with COL4A4-related nephropathy. Dominant negative is a suspected mechanism of disease for this gene as it is a structural protein (PMIDs: 12028435, 24046192). (I) 0108 - This gene is associated with both recessive and dominant disease. Alport syndrome typically has biallelic inheritance, although rare cases of monoallelic inheritance have been reported (PMID: 28704582). Thin basement membrane nephropathy (TBMN) and focal segmental glomerulosclerosis (FSGS) are associated with autosomal dominant inheritance (OMIM, PMIDs: 16467446, 17942953). (I) 0212 - Non-canonical splice site variant without proven consequence on splicing (no functional evidence available). (SP) 0251 - This variant is heterozygous. (I) 0301 - Variant is absent from gnomAD (v2, v3 and v4). (SP) 0311 - An alternative nucleotide change at the same nucleotide, is present in gnomAD (v4; 5 heterozygotes, 0 homozygotes). (I) 0508 - In silico predictions for abnormal splicing are conflicting. (I) 0705 - No comparable splice region variants have previous evidence for pathogenicity. (I) 0807 - This variant has no previous evidence of pathogenicity. (I) 0905 - No published segregation evidence has been identified for this variant. (I) 1007 - No published functional evidence has been identified for this variant. (I) 1208 - Inheritance information for this variant is not currently available in this individual. (I) Legend: (SP) - Supporting pathogenic, (I) - Information, (SB) - Supporting benign

Literature cited by the submitters: PubMed 12028435; PubMed 16467446; PubMed 17942953; PubMed 24046192; PubMed 28704582.